The following is an entry in ClinVar:

ClinVar aggregate classification (germline): Uncertain significance. Review status: criteria provided, multiple submitters, no conflicts (2 of 4 stars). 2 submissions from 2 submitters: Uncertain significance (2). Last evaluated 2025-06-10.

Conditions:
Cardiomyopathy (CMYO). Also called: Cardiomyopathies. Identifiers: Orphanet 167848, MedGen C0878544, MONDO:0004994, HP:0001638. Inheritance: Various modes of inheritance.
Lethal congenital glycogen storage disease of heart. Also called: PHOSPHORYLASE KINASE DEFICIENCY OF HEART; GLYCOGEN STORAGE DISEASE OF HEART. Identifiers: Orphanet 439854, MedGen C1849813, MONDO:0009867, OMIM 261740.

gnomAD v4.1: 1 of 1,607,694 alleles (0.000062%); highest among the groups gnomAD compares: Non-Finnish European, 0.000085%; no homozygotes.

Submissions (2):

Labcorp Genetics (formerly Invitae), Labcorp
Classification: Uncertain significance for Lethal congenital glycogen storage disease of heart. Last evaluated: 2025-06-10. Review status: criteria provided, single submitter. Criteria: Invitae Variant Classification Sherloc (09022015). Collection method: clinical testing. Allele origin: germline.
Comment: This sequence change replaces phenylalanine, which is neutral and non-polar, with cysteine, which is neutral and slightly polar, at codon 67 of the PRKAG2 protein (p.Phe67Cys). This variant is not present in population databases (gnomAD no frequency). This variant has not been reported in the literature in individuals affected with PRKAG2-related conditions. ClinVar contains an entry for this variant (Variation ID: 1171289). Invitae Evidence Modeling of protein sequence and biophysical properties (such as structural, functional, and spatial information, amino acid conservation, physicochemical variation, residue mobility, and thermodynamic stability) indicates that this missense variant is not expected to disrupt PRKAG2 protein function with a negative predictive value of 95%. In summary, the available evidence is currently insufficient to determine the role of this variant in disease. Therefore, it has been classified as a Variant of Uncertain Significance.

Color Diagnostics, LLC DBA Color Health
Classification: Uncertain significance for Cardiomyopathy. Last evaluated: 2024-03-07. Review status: criteria provided, single submitter. Criteria: ACMG Guidelines, 2015. Collection method: clinical testing. Allele origin: germline.
Comment: This missense variant replaces phenylalanine with cysteine at codon 67 of the PRKAG2 protein. Computational prediction suggests that this variant may not impact protein structure and function (internally defined REVEL score threshold <= 0.5, PMID: 27666373). To our knowledge, functional studies have not been reported for this variant. This variant has not been reported in individuals affected with cardiovascular disorders in the literature. This variant has not been identified in the general population by the Genome Aggregation Database (gnomAD). The available evidence is insufficient to determine the role of this variant in disease conclusively. Therefore, this variant is classified as a Variant of Uncertain Significance.

NM_016203.4(PRKAG2):c.200T>G (p.Phe67Cys)

Gene: PRKAG2 (protein kinase AMP-activated non-catalytic subunit gamma 2; minus strand). Cytogenetic location: 7q36.1.
Variant type: single nucleotide variant.
Coding change: c.200T>G on transcript NM_016203.4 (MANE Select); coding-DNA position 200, T replaced by G.
Protein change: p.Phe67Cys; replaces phenylalanine 67 with cysteine.
Molecular consequence: missense variant.
Genome position (GRCh38, 1-based): chr7:151,781,418, A>C on the plus strand (T>G on the coding strand, the complement: PRKAG2 is on the minus strand). VCF-style: chr7-151781418-A-C. GRCh37 (hg19) VCF-style: chr7-151478504-A-C.
Other names: c.68T>G, p.Phe23Cys (NM_001040633.2); short protein forms F23C, F67C.
Identifiers: ClinVar variation 1171289 (VCV001171289.4), dbSNP rs2151803877, ClinGen allele CA370069924.